The following is an entry in ClinVar:

NM_032119.4(ADGRV1):c.16078+5A>G

Gene: ADGRV1 (adhesion G protein-coupled receptor V1; plus strand). Cytogenetic location: 5q14.3.
Variant type: single nucleotide variant.
Coding change: c.16078+5A>G on transcript NM_032119.4 (MANE Select); 5 bases into the intron after coding-DNA position 16078, A replaced by G.
Molecular consequence: intron variant.
Genome position (GRCh38, 1-based): chr5:90,811,343, A>G. VCF-style: chr5-90811343-A-G. GRCh37 (hg19) VCF-style: chr5-90107160-A-G.
Identifiers: ClinVar variation 1384662 (VCV001384662.6), dbSNP rs2150232003, ClinGen allele CA2573140038.

ClinVar aggregate classification (germline): Uncertain significance (1 of 4 stars; one submission).

gnomAD v4.1: 1 of 1,569,644 alleles (0.000064%); highest among the groups gnomAD compares: Non-Finnish European, 0.000086%; no homozygotes.

Submission:

Labcorp Genetics (formerly Invitae), Labcorp
Classification: Uncertain significance. Last evaluated: 2022-08-16. Review status: criteria provided, single submitter. Criteria: Invitae Variant Classification Sherloc (09022015). Collection method: clinical testing. Allele origin: germline.
Comment: In summary, the available evidence is currently insufficient to determine the role of this variant in disease. Therefore, it has been classified as a Variant of Uncertain Significance. Variants that disrupt the consensus splice site are a relatively common cause of aberrant splicing (PMID: 17576681, 9536098). Algorithms developed to predict the effect of sequence changes on RNA splicing suggest that this variant is not likely to affect RNA splicing. ClinVar contains an entry for this variant (Variation ID: 1384662). This variant has not been reported in the literature in individuals affected with ADGRV1-related conditions. This variant is not present in population databases (gnomAD no frequency). This sequence change falls in intron 74 of the ADGRV1 gene. It does not directly change the encoded amino acid sequence of the ADGRV1 protein. It affects a nucleotide within the consensus splice site.

Literature cited by the submitters: PubMed 17576681; PubMed 9536098.